The following is an entry in ClinVar:

NM_031935.3(HMCN1):c.2275A>T (p.Ile759Phe)

Gene: HMCN1 (hemicentin 1; plus strand). Cytogenetic location: 1q31.1.
Variant type: single nucleotide variant.
Coding change: c.2275A>T on transcript NM_031935.3 (MANE Select); coding-DNA position 2275, A replaced by T.
Protein change: p.Ile759Phe; replaces isoleucine 759 with phenylalanine.
Molecular consequence: missense variant.
Genome position (GRCh38, 1-based): chr1:185,970,397, A>T. VCF-style: chr1-185970397-A-T. GRCh37 (hg19) VCF-style: chr1-185939529-A-T.
Other names: short protein forms I759F.
Identifiers: ClinVar variation 2415107 (VCV002415107.6), dbSNP rs375546957, ClinGen allele CA1291346.

ClinVar aggregate classification (germline): Uncertain significance (1 of 4 stars; one submission).

Allele frequency attached by ClinVar (database versions not stated): ExAC 0.00002; gnomAD exomes 0.00002; TOPMed 0.00002; gnomAD 0.00003; ESP Exome Variant Server 0.00008.
gnomAD v4.1: 29 of 1,613,538 alleles (0.0018%); highest among the groups gnomAD compares: African/African-American, 0.0027%; no homozygotes.

Submission:

Labcorp Genetics (formerly Invitae), Labcorp
Classification: Uncertain significance. Last evaluated: 2023-05-08. Review status: criteria provided, single submitter. Criteria: Invitae Variant Classification Sherloc (09022015). Collection method: clinical testing. Allele origin: germline.
Comment: In summary, the available evidence is currently insufficient to determine the role of this variant in disease. Therefore, it has been classified as a Variant of Uncertain Significance. An algorithm developed to predict the effect of missense changes on protein structure and function (PolyPhen-2) suggests that this variant is likely to be disruptive. ClinVar contains an entry for this variant (Variation ID: 2415107). This variant has not been reported in the literature in individuals affected with HMCN1-related conditions. This variant is present in population databases (rs375546957, gnomAD 0.007%). This sequence change replaces isoleucine, which is neutral and non-polar, with phenylalanine, which is neutral and non-polar, at codon 759 of the HMCN1 protein (p.Ile759Phe).